The following is an entry in ClinVar:

NM_206933.4(USH2A):c.9145G>A (p.Val3049Ile)

Gene: USH2A (usherin; minus strand). Cytogenetic location: 1q41.
Variant type: single nucleotide variant.
Coding change: c.9145G>A on transcript NM_206933.4 (MANE Select); coding-DNA position 9145, G replaced by A.
Protein change: p.Val3049Ile; replaces valine 3049 with isoleucine.
Molecular consequence: missense variant.
Genome position (GRCh38, 1-based): chr1:215,844,407, C>T on the plus strand (G>A on the coding strand, the complement: USH2A is on the minus strand). VCF-style: chr1-215844407-C-T. GRCh37 (hg19) VCF-style: chr1-216017749-C-T.
Other names: short protein forms V3049I.
Identifiers: ClinVar variation 1718974 (VCV001718974.5), dbSNP rs2464606381, ClinGen allele CA344838892.
Genomic context (GRCh38, chr1:215,844,407, plus strand): 5'-GCACATTCATTCCAGTCTTGTAGAGCTTATTATTTACATAGATAGAATACTCAGTGACAA[C>T]ACCATTTGGGTTTGAAGGAGATGTCCAGATGACACGTACAGCTGTACTGTTGATGATGAC-3'
Protein context (NP_996816.3, residues 3039-3059): IWTSPSNPNG[Val3049Ile]VTEYSIYVNN

ClinVar aggregate classification (germline): Uncertain significance (1 of 4 stars; one submission).

Submission:

Labcorp Genetics (formerly Invitae), Labcorp
Classification: Uncertain significance. Last evaluated: 2023-06-13. Review status: criteria provided, single submitter. Criteria: Invitae Variant Classification Sherloc (09022015). Collection method: clinical testing. Allele origin: germline.
Comment: Advanced modeling of protein sequence and biophysical properties (such as structural, functional, and spatial information, amino acid conservation, physicochemical variation, residue mobility, and thermodynamic stability) performed at Invitae indicates that this missense variant is not expected to disrupt USH2A protein function. Algorithms developed to predict the effect of sequence changes on RNA splicing suggest that this variant may create or strengthen a splice site. In summary, the available evidence is currently insufficient to determine the role of this variant in disease. Therefore, it has been classified as a Variant of Uncertain Significance. This sequence change replaces valine, which is neutral and non-polar, with isoleucine, which is neutral and non-polar, at codon 3049 of the USH2A protein (p.Val3049Ile). This variant is not present in population databases (gnomAD no frequency). This variant has not been reported in the literature in individuals affected with USH2A-related conditions. ClinVar contains an entry for this variant (Variation ID: 1718974).